The following is an entry in ClinVar:

ClinVar aggregate classification (germline): Benign/Likely benign. Review status: criteria provided, multiple submitters, no conflicts (2 of 4 stars). 4 submissions from 4 submitters: Benign (2); Likely benign (2). Last evaluated 2026-04-01.

Conditions:
Generalized epilepsy with febrile seizures plus, type 7 (GEFSP7). Also called: GEFS+, TYPE 7. Identifiers: Orphanet 36387, MedGen C2751778, MONDO:0013470, OMIM 613863.
Neuropathy, hereditary sensory and autonomic, type 2A (HSAN2A). Also called: ACROOSTEOLYSIS, GIACCAI TYPE; ACROOSTEOLYSIS, NEUROGENIC; MORVAN DISEASE; NEUROPATHY, CONGENITAL SENSORY; NEUROPATHY, HEREDITARY SENSORY RADICULAR, AUTOSOMAL RECESSIVE; NEUROPATHY, HEREDITARY SENSORY, TYPE IIA. Identifiers: Orphanet 970, MedGen C2752089, MONDO:0024309, OMIM 201300.

Allele frequency attached by ClinVar (database versions not stated): gnomAD exomes 0.00056; ExAC 0.00106; 1000 Genomes Project 30x 0.00234; gnomAD 0.00245 and 0.00263; 1000 Genomes Project 0.00260; TOPMed 0.00266; ESP Exome Variant Server 0.00267.
gnomAD v4.1: 704 of 1,585,076 alleles (0.044%); highest among the groups gnomAD compares: African/African-American, 0.82%; 6 homozygotes.

Submissions (4):

CeGaT Center for Human Genetics Tuebingen
Classification: Likely benign. Last evaluated: 2026-04-01. Review status: criteria provided, single submitter. Criteria: CeGaT Center For Human Genetics Tuebingen Variant Classification Criteria Version 2. Collection method: clinical testing. Allele origin: germline. Affected: yes. Observed: 2 variant alleles.
Comment: SCN9A: BP4, BP7

Labcorp Genetics (formerly Invitae), Labcorp
Classification: Benign for Neuropathy, hereditary sensory and autonomic, type 2A; Generalized epilepsy with febrile seizures plus, type 7. Last evaluated: 2026-02-02. Review status: criteria provided, single submitter. Criteria: Invitae Variant Classification Sherloc (09022015). Collection method: clinical testing. Allele origin: germline.

GeneDx
Classification: Likely benign. Last evaluated: 2019-11-01. Review status: criteria provided, single submitter. Criteria: GeneDx Variant Classification Process June 2021. Collection method: clinical testing. Allele origin: germline. Affected: yes.

Eurofins Ntd Llc (ga)
Classification: Benign. Last evaluated: 2015-04-02. Review status: criteria provided, single submitter. Criteria: EGL Classification Definitions 2015. Collection method: clinical testing. Allele origin: germline. Observed: 1 variant allele, 1 heterozygote.

NM_001365536.1(SCN9A):c.4356C>T (p.Phe1452=)

Genes: SCN1A-AS1 (SCN1A and SCN9A antisense RNA 1; plus strand), SCN9A (sodium voltage-gated channel alpha subunit 9; minus strand). Cytogenetic location: 2q24.3.
Variant type: single nucleotide variant.
Coding change: c.4356C>T on transcript NM_001365536.1 (MANE Select); coding-DNA position 4356, C replaced by T.
Protein change: p.Phe1452=; no amino-acid change (phenylalanine 1452 retained).
Molecular consequence: synonymous variant.
Genome position (GRCh38, 1-based): chr2:166,226,609, G>A on the plus strand (C>T on the coding strand, the complement: SCN9A is on the minus strand). VCF-style: chr2-166226609-G-A. GRCh37 (hg19) VCF-style: chr2-167083119-G-A.
Other names: c.4323C>T, p.Phe1441= (NM_002977.4).
Identifiers: ClinVar variation 195815 (VCV000195815.41), dbSNP rs201145311, ClinGen allele CA201950.
Genomic context (GRCh38, chr2:166,226,609, plus strand): 5'-AATATTTGAAATACTTATCTTCTTTTTCTGTTGGTTGAAATTATCTATGATGACACCAAT[G>A]AACAAGTTCAAAGTGAAGAATGACCCAAAGATGATAAAGACGACAAAATAAATATACATG-3'
Protein context (NP_001352465.1, residues 1442-1462): IFGSFFTLNL[Phe1452=]IGVIIDNFNQ